The following is an entry in ClinVar:

ClinVar aggregate classification (germline): Uncertain significance. Review status: criteria provided, multiple submitters, no conflicts (2 of 4 stars). 10 submissions from 10 submitters: Uncertain significance (10). Last evaluated 2026-10-01.

Conditions:
Hereditary cancer-predisposing syndrome. Also called: Neoplastic Syndromes, Hereditary; Hereditary Cancer Syndrome; Tumor predisposition; Hereditary neoplastic syndrome. Identifiers: Orphanet 140162, MedGen C0027672, MeSH D009386, MONDO:0015356.
Pheochromocytoma. Also called: MAX-Related Hereditary Paraganglioma-Pheochromocytoma Syndrome. Identifiers: Orphanet 29072, MedGen C0031511, MONDO:0008233, OMIM 171300, HP:0002666.
Familial medullary thyroid carcinoma (MTC). Also called: Thyroid cancer, familial medullary; MTC, familial; Familial Medullary Thyroid Carcinoma (FMTC). Identifiers: Orphanet 653, Orphanet 99361, MedGen C1833921, MONDO:0007958, OMIM 155240.
Multiple endocrine neoplasia type 2B. Also called: Multiple endocrine neoplasia, type 3; MULTIPLE ENDOCRINE NEOPLASIA, TYPE IIB; MUCOSAL NEUROMA SYNDROME; MEN 2B; Multiple Endocrine Neoplasia Type 2B (MEN2B); MEN IIB. Identifiers: Orphanet 247709, Orphanet 653, MedGen C0025269, MeSH D018814, MONDO:0008082, OMIM 162300.
Multiple endocrine neoplasia type 2A. Also called: MULTIPLE ENDOCRINE NEOPLASIA, TYPE IIA; PTC SYNDROME; SIPPLE SYNDROME; MEN 2A; MEN-2A syndrome; Pheochromocytoma and amyloid producing medullary thyroid carcinoma. Identifiers: Orphanet 247698, Orphanet 653, MedGen C0025268, MeSH D018813, MONDO:0008234, OMIM 171400.
Hirschsprung disease, susceptibility to, 1 (HSCR1). Also called: RET-Related Hirschsprung Disease. Identifiers: Orphanet 388, MedGen C3888239, MONDO:0007723, OMIM 142623.
RET-related disorder. Also called: RET-related disorders; RET-related condition; RET-related disease.
Multiple endocrine neoplasia, type 2 (MEN2). Identifiers: Orphanet 653, MedGen C4048306, MONDO:0019003. Disease mechanism: gain of function.

Allele frequency attached by ClinVar (database versions not stated): gnomAD exomes 0.00002; ExAC 0.00003; gnomAD 0.00003 and 0.00004; TOPMed 0.00003.
gnomAD v4.1: 29 of 1,614,058 alleles (0.0018%); highest among the groups gnomAD compares: African/African-American, 0.0053%; no homozygotes.

Submissions (10):

St. Jude Molecular Pathology, St. Jude Children's Research Hospital
Classification: Uncertain significance for Multiple endocrine neoplasia type 2A. Last evaluated: 2026-10-01. Review status: criteria provided, single submitter. Criteria: St. Jude Assertion Criteria 2020. Collection method: clinical testing. Allele origin: germline.
Comment: The RET c.1423C>T p.(Arg475Trp) missense change has a maximum subpopulation frequency of 0.005% in gnomAD v2.1.1. The in silico tool REVEL is inconclusive about a pathogenic or benign effect of this variant on protein function. This variant has been reported in an individual with Hirschsprung disease (PMID: 11955539). In summary, the evidence currently available is insu fficient to determine the clinical significance of this variant. It has therefore been classified as of uncertain significance.

PreventionGenetics, part of Exact Sciences
Classification: Uncertain significance for RET-related condition. Last evaluated: 2026-08-02. Review status: criteria provided, single submitter. Criteria: ACMG Guidelines, 2015. Collection method: clinical testing. Allele origin: germline.
Comment: The RET c.1423C>T variant is predicted to result in the amino acid substitution p.Arg475Trp. This variant has been reported in an individual with short-segment Hirschsprung disease (Fitze et al. 2002. PubMed ID: 11955539). This variant has also been reported in two individuals with breast cancer (Table S3, Guindalini et al. 2022. PubMed ID: 35264596). In vitro experimental studies suggest this variant maintains ligand binding capability, but it may impair RET extracellular domain secretion and maturation (Kjaer and Ibáñez. 2003. PubMed ID: 12915470; Kjaer et al. 2010. PubMed ID: 20473317). This variant is reported in 0.0050% of alleles in individuals of East Asian descent in gnomAD and is interpreted as uncertain in ClinVar (Variation ID: 572175). At this time, the clinical significance of this variant is uncertain due to the absence of conclusive functional and genetic evidence.

Labcorp Genetics (formerly Invitae), Labcorp
Classification: Uncertain significance for Multiple endocrine neoplasia, type 2. Last evaluated: 2026-02-02. Review status: criteria provided, single submitter. Criteria: Invitae Variant Classification Sherloc (09022015). Collection method: clinical testing. Allele origin: germline.
Comment: This sequence change replaces arginine, which is basic and polar, with tryptophan, which is neutral and slightly polar, at codon 475 of the RET protein (p.Arg475Trp). This variant is present in population databases (rs746512075, gnomAD 0.005%). This missense change has been observed in individual(s) with Hirschsprung disease or thyroid cancer (PMID: 11955539, 37937776). ClinVar contains an entry for this variant (Variation ID: 572175). An algorithm developed to predict the effect of missense changes on protein structure and function (PolyPhen-2) suggests that this variant is likely to be disruptive. Experimental studies are conflicting or provide insufficient evidence to determine the effect of this variant on RET function (PMID: 20473317). In summary, the available evidence is currently insufficient to determine the role of this variant in disease. Therefore, it has been classified as a Variant of Uncertain Significance.

Color Diagnostics, LLC DBA Color Health
Classification: Uncertain significance for Multiple endocrine neoplasia, type 2. Last evaluated: 2025-10-07. Review status: criteria provided, single submitter. Criteria: ACMG Guidelines, 2015. Collection method: clinical testing. Allele origin: germline.
Comment: This missense variant replaces arginine with tryptophan at codon 475 of the RET protein. Computational prediction is inconclusive regarding the impact of this variant on protein structure and function. Functional studies have reported that this variant may have mild impact on RET protein misfolding via indirect proxy assays (PMID: 12915470, 20473317). This variant has not been reported in individuals affected with RET-related disorders in the literature, and it has been reported in an individual affected with Hirschsprung disease (PMID: 11955539). This variant has been identified in 29/1614058 chromosomes in the general population by the Genome Aggregation Database (gnomAD). Although there is a suspicion that this variant may not be associated with disease, additional studies are necessary to determine the role of this variant in disease conclusively. Therefore, this variant is classified as a Variant of Uncertain Significance.

Ambry Genetics
Classification: Uncertain significance for Hereditary cancer-predisposing syndrome. Last evaluated: 2025-05-28. Review status: criteria provided, single submitter. Criteria: Ambry Variant Classification Scheme 2023. Collection method: clinical testing. Allele origin: germline.
Comment: The p.R475W variant (also known as c.1423C>T), located in coding exon 7 of the RET gene, results from a C to T substitution at nucleotide position 1423. The arginine at codon 475 is replaced by tryptophan, an amino acid with dissimilar properties. This variant has been previously identified in an individual diagnosed with sporadic Hirschsprung disease (Fitze G, et al. Lancet 2002 Apr; 359(9313):1200-5). Structural and functional analyses indicate that this alteration results in protein misfolding (Kjaer S, et al. Hum. Mol. Genet. 2003 Sep;12(17):2133-44; Kjaer S, et al. Nat. Struct. Mol. Biol. 2010 Jun; 17(6):726-31). This amino acid position is not well conserved in available vertebrate species. In addition, this alteration is predicted to be deleterious by in silico analysis. Based on the available evidence, the clinical significance of this variant remains unclear.

All of Us Research Program, National Institutes of Health
Classification: Uncertain significance for Multiple endocrine neoplasia, type 2. Last evaluated: 2023-12-13. Review status: criteria provided, single submitter. Criteria: ACMG Guidelines, 2015. Collection method: clinical testing. Allele origin: germline. Inheritance: Autosomal dominant inheritance. Observed: 6 variant alleles, 6 heterozygotes.
Comment: This missense variant replaces arginine with tryptophan at codon 475 of the RET protein. Computational prediction is inconclusive regarding the impact of this variant on protein structure and function (internally defined REVEL score threshold 0.5 < inconclusive < 0.7, PMID: 27666373). Functional studies have reported that this variant may have a partial or mild impact on RET protein misfolding via indirect proxy assays (PMID: 12915470, 20473317). This variant has not been reported in individuals affected with RET-related cancer in the literature. This variant has been identified in 6/282740 chromosomes in the general population by the Genome Aggregation Database (gnomAD). The available evidence is insufficient to determine the role of this variant in disease conclusively. Therefore, this variant is classified as a Variant of Uncertain Significance.

This study involves interpretation of variants in research participants for the purpose of population health screening. Participant phenotype was not available at the time of variant classification. Additional details can be found in publication PMID: 35346344, PMCID: PMC8962531

Baylor Genetics
Classification: Uncertain significance for Hirschsprung disease, susceptibility to, 1. Last evaluated: 2023-12-07. Review status: criteria provided, single submitter. Criteria: ACMG Guidelines, 2015. Collection method: clinical testing. Allele origin: unknown.

GeneDx
Classification: Uncertain significance. Last evaluated: 2022-09-29. Review status: criteria provided, single submitter. Criteria: GeneDx Variant Classification Process June 2021. Collection method: clinical testing. Allele origin: germline. Affected: yes.
Comment: Not observed at significant frequency in large population cohorts (gnomAD); In silico analysis supports that this missense variant has a deleterious effect on protein structure/function; Published functional studies demonstrate secretion efficiency that surpassed wild-type in a quantitative cell-based RET maturation assay and was classified as fully rescuable (Kjaer et al., 2010); Observed in individuals with Hirschsprung disease (Fitze et al., 2002); This variant is associated with the following publications: (PMID: 11955539, 20473317, 14633923, 33193891)

Fulgent Genetics
Classification: Uncertain significance for Hirschsprung disease, susceptibility to, 1; Familial medullary thyroid carcinoma; Multiple endocrine neoplasia type 2B; Pheochromocytoma; Multiple endocrine neoplasia type 2A. Last evaluated: 2021-09-27. Review status: criteria provided, single submitter. Criteria: ACMG Guidelines, 2015. Collection method: clinical testing. Allele origin: unknown.

Mendelics
Classification: Uncertain significance for Multiple endocrine neoplasia, type 2a. Last evaluated: 2018-07-02. Review status: criteria provided, single submitter. Criteria: Mendelics Assertion Criteria 2017. Collection method: clinical testing. Allele origin: unknown.

Literature cited by the submitters: PubMed 11955539 (cited by 3 submitters); PubMed 37937776 (cited by Labcorp Genetics (formerly Invitae), Labcorp); PubMed 20473317 (cited by 4 submitters); PubMed 12915470 (cited by Color Diagnostics, LLC DBA Color Health and All of Us Research Program, National Institutes of Health).

NM_020975.6(RET):c.1423C>T (p.Arg475Trp)

Gene: RET (ret proto-oncogene; plus strand). Cytogenetic location: 10q11.21.
Variant type: single nucleotide variant.
Coding change: c.1423C>T on transcript NM_020975.6 (MANE Select); coding-DNA position 1423, C replaced by T.
Protein change: p.Arg475Trp; replaces arginine 475 with tryptophan.
Molecular consequence: missense variant.
Genome position (GRCh38, 1-based): chr10:43,111,366, C>T. VCF-style: chr10-43111366-C-T. GRCh37 (hg19) VCF-style: chr10-43606814-C-T.
Other names: c.1423C>T (NM_020630.5); c.1423C>T, p.Arg475Trp (NM_000323.2, NM_001406743.1, NM_001406744.1 and 6 more transcripts); c.661C>T, p.Arg221Trp (NM_001355216.2); c.1294C>T, p.Arg432Trp (NM_001406761.1, NM_001406762.1, NM_001406764.1 and 1 more transcripts); c.1135C>T, p.Arg379Trp (NM_001406766.1, NM_001406767.1, NM_001406770.1); c.1027C>T, p.Arg343Trp (NM_001406769.1, NM_001406772.1); c.985C>T, p.Arg329Trp (NM_001406771.1, NM_001406773.1); c.898C>T, p.Arg300Trp (NM_001406774.1); and 2 more; short protein forms R475W, R221W, R300W, R329W, R145W, R432W, R233W, R343W.
Identifiers: ClinVar variation 572175 (VCV000572175.24), dbSNP rs746512075, ClinGen allele CA033523.